The following is an entry in ClinVar:

ClinVar aggregate classification (germline): Conflicting classifications of pathogenicity. Review status: criteria provided, conflicting classifications (1 of 4 stars). 4 submissions from 4 submitters: Uncertain significance (3); Likely benign (1). Last evaluated 2026-04-30.

Conditions:
Familial thoracic aortic aneurysm and aortic dissection (TAAD). Also called: Thoracic aortic aneurysms and dissections. Identifiers: Orphanet 91387, MedGen C4707243, MONDO:0019625.
Congenital contractural arachnodactyly (CCA). Also called: BEALS SYNDROME; Beals-Hecht syndrome; Arthrogryposis, distal, type 9. Identifiers: Orphanet 115, MedGen C0220668, MONDO:0007363, OMIM 121050.

Allele frequency attached by ClinVar (database versions not stated): gnomAD exomes 0.00001 and 0.00002; TOPMed 0.00001.
gnomAD v4.1: 29 of 1,613,818 alleles (0.0018%); highest among the groups gnomAD compares: Middle Eastern, 0.033%; no homozygotes.

Submissions (4):

Ambry Genetics
Classification: Uncertain significance for Familial thoracic aortic aneurysm and aortic dissection. Last evaluated: 2026-04-30. Review status: criteria provided, single submitter. Criteria: Ambry Variant Classification Scheme 2023. Collection method: clinical testing. Allele origin: germline.
Comment: The p.R1863W variant (also known as c.5587C>T), located in coding exon 44 of the FBN2 gene, results from a C to T substitution at nucleotide position 5587. The arginine at codon 1863 is replaced by tryptophan, an amino acid with dissimilar properties. This amino acid position is well conserved in available vertebrate species. In addition, this alteration is predicted to be deleterious by in silico analysis. Based on the available evidence, the clinical significance of this variant remains unclear.

GeneDx
Classification: Uncertain significance. Last evaluated: 2025-06-10. Review status: criteria provided, single submitter. Criteria: GeneDx Variant Classification Process June 2021. Collection method: clinical testing. Allele origin: germline. Affected: yes.
Comment: Has not been previously published as pathogenic or benign to our knowledge; Not observed at significant frequency in large population cohorts (gnomAD); In silico analysis supports that this missense variant has a deleterious effect on protein structure/function; Although located in a calcium-binding EGF-like domain of the FBN2 gene, it does not substitute or introduce a cysteine residue (PMID: 19006240, 18767143); This variant is associated with the following publications: (PMID: 19006240, 18767143)

Labcorp Genetics (formerly Invitae), Labcorp
Classification: Likely benign for Congenital contractural arachnodactyly. Last evaluated: 2025-03-04. Review status: criteria provided, single submitter. Criteria: Invitae Variant Classification Sherloc (09022015). Collection method: clinical testing. Allele origin: germline.

Illumina Laboratory Services, Illumina
Classification: Uncertain significance for Congenital contractural arachnodactyly. Last evaluated: 2018-01-12. Review status: criteria provided, single submitter. Criteria: ICSL Variant Classification Criteria 13 December 2019. Collection method: clinical testing. Allele origin: germline.

NM_001999.4(FBN2):c.5587C>T (p.Arg1863Trp)

Gene: FBN2 (fibrillin 2; minus strand). Cytogenetic location: 5q23.3.
Variant type: single nucleotide variant.
Coding change: c.5587C>T on transcript NM_001999.4 (MANE Select); coding-DNA position 5587, C replaced by T.
Protein change: p.Arg1863Trp; replaces arginine 1863 with tryptophan.
Molecular consequence: missense variant.
Genome position (GRCh38, 1-based): chr5:128,305,598, G>A on the plus strand (C>T on the coding strand, the complement: FBN2 is on the minus strand). VCF-style: chr5-128305598-G-A. GRCh37 (hg19) VCF-style: chr5-127641290-G-A.
Other names: short protein forms R1863W.
Identifiers: ClinVar variation 905980 (VCV000905980.10), dbSNP rs1192632165, ClinGen allele CA360740531.